The following is an entry in ClinVar:

NM_014141.6(CNTNAP2):c.1653G>C (p.Met551Ile)

Gene: CNTNAP2 (contactin associated protein 2; plus strand). Cytogenetic location: 7q35.
Variant type: single nucleotide variant.
Coding change: c.1653G>C on transcript NM_014141.6 (MANE Select); coding-DNA position 1653, G replaced by C.
Protein change: p.Met551Ile; replaces methionine 551 with isoleucine.
Molecular consequence: missense variant.
Genome position (GRCh38, 1-based): chr7:147,395,763, G>C. VCF-style: chr7-147395763-G-C. GRCh37 (hg19) VCF-style: chr7-147092855-G-C.
Other names: short protein forms M551I.
Identifiers: ClinVar variation 1187191 (VCV001187191.5), dbSNP rs762231600, ClinGen allele CA4546137.

ClinVar aggregate classification (germline): Uncertain significance. Review status: criteria provided, multiple submitters, no conflicts (2 of 4 stars). 3 submissions from 3 submitters: Uncertain significance (3). Last evaluated 2025-12-08.

Conditions:
Inborn genetic diseases. Identifiers: MedGen C0950123, MeSH D030342.
Cortical dysplasia-focal epilepsy syndrome (PTHSL1). Also called: Pitt-Hopkins-like syndrome 1. Identifiers: Orphanet 163681, Orphanet 221150, MedGen C2750246, MONDO:0012400, OMIM 610042.

Allele frequency attached by ClinVar (database versions not stated): TOPMed below 0.00001; ExAC 0.00001; gnomAD exomes 0.00001 and 0.00002.
gnomAD v4.1: 6 of 1,612,314 alleles (0.00037%); highest among the groups gnomAD compares: Admixed American, 0.01%; no homozygotes.

Submissions (3):

Ambry Genetics
Classification: Uncertain significance for Inborn genetic diseases. Last evaluated: 2025-12-08. Review status: criteria provided, single submitter. Criteria: Ambry Variant Classification Scheme 2023. Collection method: clinical testing. Allele origin: germline.

Labcorp Genetics (formerly Invitae), Labcorp
Classification: Uncertain significance for Cortical dysplasia-focal epilepsy syndrome. Last evaluated: 2022-08-01. Review status: criteria provided, single submitter. Criteria: Invitae Variant Classification Sherloc (09022015). Collection method: clinical testing. Allele origin: germline.
Comment: This sequence change replaces methionine, which is neutral and non-polar, with isoleucine, which is neutral and non-polar, at codon 551 of the CNTNAP2 protein (p.Met551Ile). This variant is present in population databases (rs762231600, gnomAD 0.01%). This variant has not been reported in the literature in individuals affected with CNTNAP2-related conditions. ClinVar contains an entry for this variant (Variation ID: 1187191). Algorithms developed to predict the effect of missense changes on protein structure and function are either unavailable or do not agree on the potential impact of this missense change (SIFT: "Deleterious"; PolyPhen-2: "Benign"; Align-GVGD: "Class C0"). In summary, the available evidence is currently insufficient to determine the role of this variant in disease. Therefore, it has been classified as a Variant of Uncertain Significance.

GeneDx
Classification: Uncertain significance. Last evaluated: 2021-04-26. Review status: criteria provided, single submitter. Criteria: GeneDx Variant Classification Process June 2021. Collection method: clinical testing. Allele origin: germline. Affected: yes.
Comment: Not observed at a significant frequency in large population cohorts (Lek et al., 2016); In silico analysis supports that this missense variant does not alter protein structure/function; Has not been previously published as pathogenic or benign to our knowledge